The following is an entry in ClinVar:

NM_001085458.2(CTNND1):c.1687C>T (p.Gln563Ter)

Genes: CTNND1 (catenin delta 1; plus strand), TMX2-CTNND1 (TMX2-CTNND1 readthrough (NMD candidate); plus strand). Cytogenetic location: 11q12.1.
Variant type: single nucleotide variant.
Coding change: c.1687C>T on transcript NM_001085458.2 (MANE Select); coding-DNA position 1687, C replaced by T.
Protein change: p.Gln563Ter; replaces glutamine 563 with a stop codon.
Molecular consequence: nonsense. On other transcripts: non-coding transcript variant (1).
Genome position (GRCh38, 1-based): chr11:57,804,745, C>T. VCF-style: chr11-57804745-C-T. GRCh37 (hg19) VCF-style: chr11-57572217-C-T.
Other names: c.1687C>T, p.Gln563Ter (NM_001085459.2, NM_001085460.2, NM_001085461.2 and 3 more transcripts); c.1384C>T, p.Gln462Ter (NM_001085463.2, NM_001085464.2, NM_001085465.2 and 5 more transcripts); c.1525C>T, p.Gln509Ter (NM_001206883.2, NM_001206884.2, NM_001206886.2 and 4 more transcripts); short protein forms Q509*, Q563*, Q462*.
Identifiers: ClinVar variation 931457 (VCV000931457.3), dbSNP rs2062434410, ClinGen allele CA380727867.

ClinVar aggregate classification (germline): Likely pathogenic (1 of 4 stars; one submission).

Conditions:
Blepharocheilodontic syndrome 2 (BCDS2). Identifiers: MedGen C4540127, MONDO:0040503, OMIM 617681.

Submission:

Centre for Mendelian Genomics, University Medical Centre Ljubljana
Classification: Likely pathogenic for Blepharocheilodontic syndrome 2. Last evaluated: 2016-01-01. Review status: criteria provided, single submitter. Criteria: ACMG Guidelines, 2015. Collection method: clinical testing. Allele origin: unknown. Affected: yes.
Comment: This variant was classified as: Likely pathogenic. The following ACMG criteria were applied in classifying this variant: PVS1,PM2.